The following is an entry in ClinVar:

ClinVar aggregate classification (germline): Pathogenic (1 of 4 stars; one submission).

Conditions:
Joubert syndrome. Also called: CEREBELLOPARENCHYMAL DISORDER IV; JOUBERT-BOLTSHAUSER SYNDROME; Familial aplasia of the vermis. Identifiers: Orphanet 475, MedGen C5979921, MONDO:0018772.
Meckel-Gruber syndrome. Also called: DYSENCEPHALIA SPLANCHNOCYSTICA; GRUBER SYNDROME; Dysencephalia splachnocystica. Identifiers: Orphanet 564, MedGen C0265215, MONDO:0018921.

Submission:

Labcorp Genetics (formerly Invitae), Labcorp
Classification: Pathogenic for Joubert syndrome; Meckel-Gruber syndrome. Last evaluated: 2024-03-25. Review status: criteria provided, single submitter. Criteria: Invitae Variant Classification Sherloc (09022015). Collection method: clinical testing. Allele origin: germline.
Comment: This sequence change creates a premature translational stop signal (p.Arg52Serfs*78) in the TCTN1 gene. It is expected to result in an absent or disrupted protein product. Loss-of-function variants in TCTN1 are known to be pathogenic (PMID: 21725307, 22693042, 27894351). This variant is present in population databases (rs766816100, gnomAD 0.008%). This variant has not been reported in the literature in individuals affected with TCTN1-related conditions. ClinVar contains an entry for this variant (Variation ID: 1374749). For these reasons, this variant has been classified as Pathogenic.

Literature cited by the submitters: PubMed 21725307; PubMed 22693042; PubMed 27894351.

NM_001082538.3(TCTN1):c.156del (p.Arg52fs)

Gene: TCTN1 (tectonic family member 1; plus strand). Cytogenetic location: 12q24.11.
Variant type: Deletion.
Coding change: c.156del on transcript NM_001082538.3 (MANE Select); coding-DNA position 156, one base deleted (G; older notation c.156delG).
Protein change: p.Arg52fs; shifts the reading frame from arginine 52.
Molecular consequence: frameshift variant. On other transcripts: 5 prime UTR variant (4), non-coding transcript variant (1).
Genome position (GRCh38, 1-based): chr12:110,614,338, G deleted; the last of 2 consecutive G bases (chr12:110,614,337-110,614,338); deleting either gives the same sequence. VCF-style (leftmost placement, unchanged base first): chr12-110614336-AG-A. GRCh37 (hg19) VCF-style: chr12-111052141-AG-A.
Other names: c.156del, p.Arg52fs (NM_001082537.3, NM_001319680.2, NM_024549.6); c.-74del (NM_001173975.3, NM_001319682.3); c.-101del (NM_001173976.2); c.-552del (NM_001319681.2); short protein forms R52fs.
Identifiers: ClinVar variation 1374749 (VCV001374749.6), dbSNP rs766816100, ClinGen allele CA6786453.